The following is an entry in ClinVar:

ClinVar aggregate classification (germline): Conflicting classifications of pathogenicity. Review status: criteria provided, conflicting classifications (1 of 4 stars). 2 submissions from 2 submitters: Uncertain significance (1); Likely benign (1). Last evaluated 2025-10-29.

Conditions:
Joubert syndrome 21 (JBTS21). Identifiers: MedGen C3810212, MONDO:0014288, OMIM 615636.
Inborn genetic diseases. Identifiers: MedGen C0950123, MeSH D030342.

gnomAD v4.1: 25 of 1,614,034 alleles (0.0015%); highest among the groups gnomAD compares: Middle Eastern, 0.016%; no homozygotes.

Submissions (2):

Ambry Genetics
Classification: Likely benign for Inborn genetic diseases. Last evaluated: 2025-10-29. Review status: criteria provided, single submitter. Criteria: Ambry Variant Classification Scheme 2023. Collection method: clinical testing. Allele origin: germline.

Labcorp Genetics (formerly Invitae), Labcorp
Classification: Uncertain significance for Joubert syndrome 21. Last evaluated: 2021-12-03. Review status: criteria provided, single submitter. Criteria: Invitae Variant Classification Sherloc (09022015). Collection method: clinical testing. Allele origin: germline.
Comment: This sequence change replaces leucine, which is neutral and non-polar, with valine, which is neutral and non-polar, at codon 19 of the CSPP1 protein (p.Leu19Val). In summary, the available evidence is currently insufficient to determine the role of this variant in disease. Therefore, it has been classified as a Variant of Uncertain Significance. Algorithms developed to predict the effect of missense changes on protein structure and function output the following: SIFT: "Deleterious"; PolyPhen-2: "Benign"; Align-GVGD: "Class C0". The valine amino acid residue is found in multiple mammalian species, which suggests that this missense change does not adversely affect protein function. This variant has not been reported in the literature in individuals affected with CSPP1-related conditions. This variant is present in population databases (rs751458139, gnomAD 0.004%).

NM_001382391.1(CSPP1):c.-96C>G

Gene: CSPP1 (centrosome and spindle pole associated protein 1; plus strand). Cytogenetic location: 8q13.1.
Variant type: single nucleotide variant.
Coding change: c.-96C>G on transcript NM_001382391.1 (MANE Select); 96 bases upstream of the start codon, C replaced by G.
Molecular consequence: 5 prime UTR variant. On other transcripts: missense variant (3).
Genome position (GRCh38, 1-based): chr8:67,064,453, C>G. VCF-style: chr8-67064453-C-G. GRCh37 (hg19) VCF-style: chr8-67976688-C-G.
Other names: c.-96C>G (NM_001363131.2, NM_001363132.2, NM_001363133.2); c.55C>G, p.Leu19Val (NM_001364869.1, NM_001364870.1, NM_024790.7); short protein forms L19V.
Identifiers: ClinVar variation 1378616 (VCV001378616.6), dbSNP rs751458139, ClinGen allele CA4770057.